The following is an entry in ClinVar:

ClinVar aggregate classification (germline): Uncertain significance (1 of 4 stars; one submission).

Conditions:
DICER1-related tumor predisposition. Also called: DICER1 syndrome; DICER1-related pleuropulmonary blastoma cancer predisposition syndrome. Identifiers: Orphanet 284343, MedGen C3839822, MONDO:0100216.

Submission:

Labcorp Genetics (formerly Invitae), Labcorp
Classification: Uncertain significance for DICER1-related tumor predisposition. Last evaluated: 2023-07-17. Review status: criteria provided, single submitter. Criteria: Invitae Variant Classification Sherloc (09022015). Collection method: clinical testing. Allele origin: germline.
Comment: In summary, the available evidence is currently insufficient to determine the role of this variant in disease. Therefore, it has been classified as a Variant of Uncertain Significance. Advanced modeling of protein sequence and biophysical properties (such as structural, functional, and spatial information, amino acid conservation, physicochemical variation, residue mobility, and thermodynamic stability) performed at Invitae indicates that this missense variant is not expected to disrupt DICER1 protein function. This variant has not been reported in the literature in individuals affected with DICER1-related conditions. This variant is not present in population databases (gnomAD no frequency). This sequence change replaces cysteine, which is neutral and slightly polar, with phenylalanine, which is neutral and non-polar, at codon 251 of the DICER1 protein (p.Cys251Phe).

NM_177438.3(DICER1):c.752G>T (p.Cys251Phe)

Gene: DICER1 (dicer 1, ribonuclease III; minus strand). Cytogenetic location: 14q32.13.
Variant type: single nucleotide variant.
Coding change: c.752G>T on transcript NM_177438.3 (MANE Select); coding-DNA position 752, G replaced by T.
Protein change: p.Cys251Phe; replaces cysteine 251 with phenylalanine.
Molecular consequence: missense variant. On other transcripts: non-coding transcript variant (6), 5 prime UTR variant (1).
Genome position (GRCh38, 1-based): chr14:95,126,731, C>A on the plus strand (G>T on the coding strand, the complement: DICER1 is on the minus strand). VCF-style: chr14-95126731-C-A. GRCh37 (hg19) VCF-style: chr14-95593068-C-A.
Other names: c.752G>T, p.Cys251Phe (NM_001195573.1, NM_001271282.3, NM_001291628.2 and 15 more transcripts); c.470G>T, p.Cys157Phe (NM_001395686.1); c.347G>T, p.Cys116Phe (NM_001395687.1, NM_001395688.1, NM_001395689.1 and 3 more transcripts); c.185G>T, p.Cys62Phe (NM_001395691.1); c.-817G>T (NM_001395697.1); short protein forms C157F, C251F, C116F, C62F.
Identifiers: ClinVar variation 2744436 (VCV002744436.3), dbSNP rs1167822359, ClinGen allele CA390887909.